The following is an entry in ClinVar:

ClinVar aggregate classification (germline): Benign/Likely benign. Review status: criteria provided, multiple submitters, no conflicts (2 of 4 stars). 8 submissions from 7 submitters: Benign (2); Likely benign (5). 1 of the submissions does not count toward it. Last evaluated 2025-12-21.

Conditions:
Inborn genetic diseases. Identifiers: MedGen C0950123, MeSH D030342.
KCNT1-related disorder. Also called: KCNT1-related condition.
Developmental and epileptic encephalopathy, 14 (DEE14). Also called: Early infantile epileptic encephalopathy 14. Identifiers: Orphanet 293181, MedGen C3554195, MONDO:0013989, OMIM 614959.
Autosomal dominant nocturnal frontal lobe epilepsy 5. Also called: CILIARY DYSKINESIA, PRIMARY, 28, WITHOUT SITUS INVERSUS; CILIARY DYSKINESIA, PRIMARY, 28, WITH SITUS INVERSUS; Epilepsy, nocturnal frontal lobe, 5; KCNT1-Related Epilepsy. Identifiers: Orphanet 98784, MedGen C3554306, MONDO:0014002, OMIM 615005.

Allele frequency attached by ClinVar (database versions not stated): gnomAD 0.00083 and 0.00093; TOPMed 0.00112; ESP Exome Variant Server 0.00185; gnomAD exomes 0.00007 and 0.00023; 1000 Genomes Project 30x 0.00016; 1000 Genomes Project 0.00020; ExAC 0.00034.
gnomAD v4.1: 232 of 1,613,202 alleles (0.014%); highest among the groups gnomAD compares: African/African-American, 0.29%; no homozygotes.

Submissions (8):

Labcorp Genetics (formerly Invitae), Labcorp
Classification: Benign for Autosomal dominant nocturnal frontal lobe epilepsy 5; Developmental and epileptic encephalopathy, 14. Last evaluated: 2025-12-21. Review status: criteria provided, single submitter. Criteria: Invitae Variant Classification Sherloc (09022015). Collection method: clinical testing. Allele origin: germline.

Blueprint Genetics
Classification: Likely benign. Last evaluated: 2024-11-27. Review status: criteria provided, single submitter. Criteria: ACMG Guidelines, 2015. Collection method: clinical testing. Allele origin: germline.

Genome-Nilou Lab
Classification: Likely benign for Developmental and epileptic encephalopathy, 14. Last evaluated: 2022-03-15. Review status: criteria provided, single submitter. Criteria: ACMG Guidelines, 2015. Collection method: clinical testing. Allele origin: germline. Affected: no.

Genome-Nilou Lab
Classification: Likely benign for Autosomal dominant nocturnal frontal lobe epilepsy 5. Last evaluated: 2022-03-15. Review status: criteria provided, single submitter. Criteria: ACMG Guidelines, 2015. Collection method: clinical testing. Allele origin: germline. Affected: no.

GeneDx
Classification: Benign. Last evaluated: 2017-03-02. Review status: criteria provided, single submitter. Criteria: GeneDx Variant Classification (06012015). Collection method: clinical testing. Allele origin: germline. Affected: yes.
Comment: This variant is considered likely benign or benign based on one or more of the following criteria: it is a conservative change, it occurs at a poorly conserved position in the protein, it is predicted to be benign by multiple in silico algorithms, and/or has population frequency not consistent with disease.

Ambry Genetics
Classification: Likely benign for Inborn genetic diseases. Last evaluated: 2016-03-21. Review status: criteria provided, single submitter. Criteria: Ambry Variant Classification Scheme 2023. Collection method: clinical testing. Allele origin: germline.

Eurofins Ntd Llc (ga)
Classification: Likely benign. Last evaluated: 2016-01-21. Review status: criteria provided, single submitter. Criteria: EGL Classification Definitions 2015. Collection method: clinical testing. Allele origin: germline. Observed: 1 variant allele, 1 heterozygote.

PreventionGenetics, part of Exact Sciences
Classification: Likely benign for KCNT1-related condition. Last evaluated: 2019-11-11. Review status: no assertion criteria provided. Collection method: clinical testing. Allele origin: germline. Not counted in ClinVar's aggregate classification.
Comment: This variant is classified as likely benign based on ACMG/AMP sequence variant interpretation guidelines (Richards et al. 2015 PMID: 25741868, with internal and published modifications).

NM_020822.3(KCNT1):c.985C>T (p.Leu329=)

Gene: KCNT1 (potassium sodium-activated channel subfamily T member 1; plus strand). Cytogenetic location: 9q34.3.
Variant type: single nucleotide variant.
Coding change: c.985C>T on transcript NM_020822.3 (MANE Select); coding-DNA position 985, C replaced by T.
Protein change: p.Leu329=; no amino-acid change (leucine 329 retained).
Molecular consequence: synonymous variant.
Genome position (GRCh38, 1-based): chr9:135,759,809, C>T. VCF-style: chr9-135759809-C-T. GRCh37 (hg19) VCF-style: chr9-138651655-C-T.
Other names: c.850C>T, p.Leu284= (NM_001272003.2).
Identifiers: ClinVar variation 241306 (VCV000241306.24), dbSNP rs147165522, ClinGen allele CA5326718.